The following is an entry in ClinVar:

NM_000152.5(GAA):c.1327-2A>C

Gene: GAA (alpha glucosidase; plus strand). Cytogenetic location: 17q25.3.
Variant type: single nucleotide variant.
Coding change: c.1327-2A>C on transcript NM_000152.5 (MANE Select); the canonical splice acceptor site of the intron before coding-DNA position 1327, A replaced by C.
Molecular consequence: splice acceptor variant.
Genome position (GRCh38, 1-based): chr17:80,109,943, A>C. VCF-style: chr17-80109943-A-C. GRCh37 (hg19) VCF-style: chr17-78083742-A-C.
Other names: c.1327-2A>C (NM_001406741.1, NM_001406742.1, NM_001079803.3 and 1 more transcripts).
Identifiers: ClinVar variation 4876602 (VCV004876602.1).
Genomic context (GRCh38, chr17:80,109,943, plus strand): 5'-TCCCCGTGGCTGGCGCCAGGGCTCTGGGCCACCCTCACCTTGACAGGTTTCCCTCTTCCC[A>C]GGATCCTGCCATCAGCAGCTCGGGCCCTGCCGGGAGCTACAGGCCCTACGACGAGGGTCT-3'

ClinVar aggregate classification (germline): Likely pathogenic (1 of 4 stars; one submission).

Conditions:
Glycogen storage disease, type II (IOPD). Also called: Pompe Disease; CARDIOMEGALIA GLYCOGENICA DIFFUSA; GLYCOGENOSIS, GENERALIZED, CARDIAC FORM; GSD II; POMPE DISEASE, INFANTILE-ONSET; GLYCOGEN STORAGE DISEASE II, INFANTILE-ONSET. Identifiers: Orphanet 365, MedGen C0017921, MONDO:0009290, OMIM 232300.

Submission:

Genomenon, Inc
Classification: Likely pathogenic for Glycogen storage disease, type II. Last evaluated: 2026-07-01. Review status: criteria provided, single submitter. Criteria: Genomenon Sequence Variant Interpretation Standards - Updated. Collection method: curation. Allele origin: germline. Affected: yes.
Comment: GAA c.1327-2A>C is a canonical splice variant affecting the acceptor splice site of intron 8. It is predicted to affect mRNA splicing, leading to a deleterious effect on the GAA protein. This variant has been observed in at least one proband with a GAA-related disorder in the compound heterozygous and/or homozygous state (PMID:38250073). It is absent or not present at a significant frequency in gnomAD. In conclusion, we classify GAA c.1327-2A>C as a likely pathogenic variant.

Literature cited by the submitters: PubMed 38250073.